The following is an entry in ClinVar:

NM_032444.4(SLX4):c.1455C>A (p.Asp485Glu)

Gene: SLX4 (SLX4 structure-specific endonuclease subunit; minus strand). Cytogenetic location: 16p13.3.
Variant type: single nucleotide variant.
Coding change: c.1455C>A on transcript NM_032444.4 (MANE Select); coding-DNA position 1455, C replaced by A.
Protein change: p.Asp485Glu; replaces aspartic acid 485 with glutamic acid.
Molecular consequence: missense variant.
Genome position (GRCh38, 1-based): chr16:3,597,607, G>T on the plus strand (C>A on the coding strand, the complement: SLX4 is on the minus strand). VCF-style: chr16-3597607-G-T. GRCh37 (hg19) VCF-style: chr16-3647608-G-T.
Other names: short protein forms D485E.
Identifiers: ClinVar variation 971562 (VCV000971562.11), dbSNP rs150053867, ClinGen allele CA7866511.

ClinVar aggregate classification (germline): Uncertain significance. Review status: criteria provided, multiple submitters, no conflicts (2 of 4 stars). 3 submissions from 3 submitters: Uncertain significance (3). Last evaluated 2024-08-01.

Conditions:
Inborn genetic diseases. Identifiers: MedGen C0950123, MeSH D030342.
Fanconi anemia complementation group P. Also called: SLX4-Related Fanconi Anemia. Identifiers: Orphanet 84, MedGen C3469542, MONDO:0013499, OMIM 613951.
Fanconi anemia (FA). Also called: Fanconi's anemia. Identifiers: Orphanet 84, MedGen C0015625, MeSH D005199, MONDO:0019391.

Allele frequency attached by ClinVar (database versions not stated): gnomAD 0.00006; TOPMed 0.00011; 1000 Genomes Project 0.00020; ESP Exome Variant Server 0.00023; 1000 Genomes Project 30x 0.00031.
gnomAD v4.1: 23 of 1,614,072 alleles (0.0014%); highest among the groups gnomAD compares: African/African-American, 0.031%; no homozygotes.

Submissions (3):

Ambry Genetics
Classification: Uncertain significance for Inborn genetic diseases. Last evaluated: 2024-08-01. Review status: criteria provided, single submitter. Criteria: Ambry Variant Classification Scheme 2023. Collection method: clinical testing. Allele origin: germline.

Labcorp Genetics (formerly Invitae), Labcorp
Classification: Uncertain significance for Fanconi anemia. Last evaluated: 2024-05-09. Review status: criteria provided, single submitter. Criteria: Invitae Variant Classification Sherloc (09022015). Collection method: clinical testing. Allele origin: germline.
Comment: This sequence change replaces aspartic acid, which is acidic and polar, with glutamic acid, which is acidic and polar, at codon 485 of the SLX4 protein (p.Asp485Glu). This variant is present in population databases (rs150053867, gnomAD 0.03%). This variant has not been reported in the literature in individuals affected with SLX4-related conditions. ClinVar contains an entry for this variant (Variation ID: 971562). Algorithms developed to predict the effect of missense changes on protein structure and function output the following: SIFT: "Not Available"; PolyPhen-2: "Possibly Damaging"; Align-GVGD: "Not Available". The glutamic acid amino acid residue is found in multiple mammalian species, which suggests that this missense change does not adversely affect protein function. In summary, the available evidence is currently insufficient to determine the role of this variant in disease. Therefore, it has been classified as a Variant of Uncertain Significance.

Fulgent Genetics
Classification: Uncertain significance for Fanconi anemia complementation group P. Last evaluated: 2024-01-24. Review status: criteria provided, single submitter. Criteria: ACMG Guidelines, 2015. Collection method: clinical testing. Allele origin: germline.